The following is an entry in ClinVar:

ClinVar aggregate classification (germline): Uncertain significance (1 of 4 stars; one submission).

gnomAD v4.1: 31 of 1,595,512 alleles (0.0019%); highest among the groups gnomAD compares: South Asian, 0.032%; 1 homozygote.

Submission:

GeneDx
Classification: Uncertain significance. Last evaluated: 2024-08-10. Review status: criteria provided, single submitter. Criteria: GeneDx Variant Classification Process June 2021. Collection method: clinical testing. Allele origin: germline. Affected: yes.
Comment: In silico analysis indicates that this missense variant does not alter protein structure/function; Has not been previously published as pathogenic or benign to our knowledge

NM_014396.4(VPS41):c.899C>T (p.Ala300Val)

Gene: VPS41 (VPS41 subunit of HOPS complex; minus strand). Cytogenetic location: 7p14.1.
Variant type: single nucleotide variant.
Coding change: c.899C>T on transcript NM_014396.4 (MANE Select); coding-DNA position 899, C replaced by T.
Protein change: p.Ala300Val; replaces alanine 300 with valine.
Molecular consequence: missense variant.
Genome position (GRCh38, 1-based): chr7:38,774,228, G>A on the plus strand (C>T on the coding strand, the complement: VPS41 is on the minus strand). VCF-style: chr7-38774228-G-A. GRCh37 (hg19) VCF-style: chr7-38813828-G-A.
Other names: c.824C>T, p.Ala275Val (NM_080631.4); short protein forms A275V, A300V.
Identifiers: ClinVar variation 3603212 (VCV003603212.1).